The following is an entry in ClinVar:

ClinVar aggregate classification (germline): Conflicting classifications of pathogenicity. Review status: criteria provided, conflicting classifications (1 of 4 stars). 2 submissions from 2 submitters: Uncertain significance (1); Likely benign (1). Last evaluated 2025-09-29.

Allele frequency attached by ClinVar (database versions not stated): 1000 Genomes Project 30x 0.00047; ESP Exome Variant Server 0.00081; 1000 Genomes Project 0.00040.
gnomAD v4.1: 1,385 of 1,568,198 alleles (0.088%); highest among the groups gnomAD compares: Non-Finnish European, 0.11%; 3 homozygotes.

Submissions (2):

GeneDx
Classification: Uncertain significance. Last evaluated: 2025-09-29. Review status: criteria provided, single submitter. Criteria: GeneDx Variant Classification Process June 2021. Collection method: clinical testing. Allele origin: germline. Affected: yes.
Comment: In silico analysis supports that this missense variant has a deleterious effect on protein structure/function; Has not been previously reported as a pathogenic or benign germline variant to our knowledge; This variant is associated with the following publications: (PMID: 32193150, 29531217)

CeGaT Center for Human Genetics Tuebingen
Classification: Likely benign. Last evaluated: 2025-05-01. Review status: criteria provided, single submitter. Criteria: CeGaT Center For Human Genetics Tuebingen Variant Classification Criteria Version 2. Collection method: clinical testing. Allele origin: germline. Affected: yes. Observed: 2 variant alleles.
Comment: TET3: BS1

NM_001287491.2(TET3):c.5237G>T (p.Trp1746Leu)

Gene: TET3 (tet methylcytosine dioxygenase 3; plus strand). Cytogenetic location: 2p13.1.
Variant type: single nucleotide variant.
Coding change: c.5237G>T on transcript NM_001287491.2 (MANE Select); coding-DNA position 5237, G replaced by T.
Protein change: p.Trp1746Leu; replaces tryptophan 1746 with leucine.
Molecular consequence: missense variant.
Genome position (GRCh38, 1-based): chr2:74,102,025, G>T. VCF-style: chr2-74102025-G-T. GRCh37 (hg19) VCF-style: chr2-74329152-G-T.
Other names: c.4958G>T, p.Trp1653Leu (NM_001366022.1); short protein forms W1653L, W1746L.
Identifiers: ClinVar variation 1314324 (VCV001314324.13), dbSNP rs190925009, ClinGen allele CA1719376.